The following is an entry in ClinVar:

ClinVar aggregate classification (germline): Uncertain significance (1 of 4 stars; one submission).

Allele frequency attached by ClinVar (database versions not stated): gnomAD exomes below 0.00001.
gnomAD v4.1: 1 of 1,610,120 alleles (0.000062%); highest among the groups gnomAD compares: African/African-American, 0.0013%; no homozygotes.

Submission:

Women's Health and Genetics/Laboratory Corporation of America, LabCorp
Classification: Uncertain significance. Last evaluated: 2023-03-14. Review status: criteria provided, single submitter. Criteria: LabCorp Variant Classification Summary - May 2015. Collection method: clinical testing. Allele origin: germline.
Comment: Variant summary: NAGLU c.2214G>A (p.Trp738X) results in a premature termination codon, predicted to cause a truncation of the encoded protein that removes less than 10% of amino acids, and is not expected to result in nonsense mediated decay. No truncations downstream of this position have been classified as pathogenic by our laboratory or by ClinVar submitters. The variant was absent in 246658 control chromosomes. To our knowledge, no occurrence of c.2214G>A in individuals affected with Mucopolysaccharidosis Type IIIB (Sanfilippo Syndrome B) and no experimental evidence demonstrating its impact on protein function have been reported. No submitters have provided clinical-significance assessments for this variant to ClinVar after 2014. Based on the evidence outlined above, the variant was classified as uncertain significance.

NM_000263.4(NAGLU):c.2214G>A (p.Trp738Ter)

Gene: NAGLU (N-acetyl-alpha-glucosaminidase; plus strand). Cytogenetic location: 17q21.2.
Variant type: single nucleotide variant.
Coding change: c.2214G>A on transcript NM_000263.4 (MANE Select); coding-DNA position 2214, G replaced by A.
Protein change: p.Trp738Ter; replaces tryptophan 738 with a stop codon.
Molecular consequence: nonsense.
Genome position (GRCh38, 1-based): chr17:42,544,220, G>A. VCF-style: chr17-42544220-G-A. GRCh37 (hg19) VCF-style: chr17-40696238-G-A.
Other names: short protein forms W738*.
Identifiers: ClinVar variation 2501059 (VCV002501059.1), dbSNP rs2092931100, ClinGen allele CA399606490.